The following is an entry in ClinVar:

NM_001035.3(RYR2):c.10725+6T>G

Gene: RYR2 (ryanodine receptor 2; plus strand). Cytogenetic location: 1q43.
Variant type: single nucleotide variant.
Coding change: c.10725+6T>G on transcript NM_001035.3 (MANE Select); 6 bases into the intron after coding-DNA position 10725, T replaced by G.
Molecular consequence: intron variant.
Genome position (GRCh38, 1-based): chr1:237,726,314, T>G. VCF-style: chr1-237726314-T-G. GRCh37 (hg19) VCF-style: chr1-237889614-T-G.
Identifiers: ClinVar variation 3707261 (VCV003707261.2).

ClinVar aggregate classification (germline): Uncertain significance (1 of 4 stars; one submission).

Conditions:
Catecholaminergic polymorphic ventricular tachycardia 1. Also called: VENTRICULAR TACHYCARDIA, STRESS-INDUCED POLYMORPHIC 1; VENTRICULAR TACHYCARDIA, CATECHOLAMINERGIC POLYMORPHIC, 1, WITH OR WITHOUT ATRIAL DYSFUNCTION AND/OR DILATED CARDIOMYOPATHY; RYR2-Related Catecholaminergic Polymorphic Ventricular Tachycardia. Identifiers: Orphanet 3286, MedGen C1631597, MONDO:0011484, OMIM 604772.

Submission:

Labcorp Genetics (formerly Invitae), Labcorp
Classification: Uncertain significance for Catecholaminergic polymorphic ventricular tachycardia 1. Last evaluated: 2024-06-26. Review status: criteria provided, single submitter. Criteria: Invitae Variant Classification Sherloc (09022015). Collection method: clinical testing. Allele origin: germline.
Comment: This sequence change falls in intron 75 of the RYR2 gene. It does not directly change the encoded amino acid sequence of the RYR2 protein. It affects a nucleotide within the consensus splice site. This variant is not present in population databases (gnomAD no frequency). This variant has not been reported in the literature in individuals affected with RYR2-related conditions. Variants that disrupt the consensus splice site are a relatively common cause of aberrant splicing (PMID: 17576681, 9536098). Algorithms developed to predict the effect of sequence changes on RNA splicing suggest that this variant is not likely to affect RNA splicing. In summary, the available evidence is currently insufficient to determine the role of this variant in disease. Therefore, it has been classified as a Variant of Uncertain Significance.

Literature cited by the submitters: PubMed 17576681; PubMed 9536098.